The following is an entry in ClinVar:

ClinVar aggregate classification (germline): Uncertain significance. Review status: criteria provided, multiple submitters, no conflicts (2 of 4 stars). 2 submissions from 2 submitters: Uncertain significance (2). Last evaluated 2025-10-28.

Conditions:
Hereditary cancer-predisposing syndrome. Also called: Hereditary Cancer Syndrome; Hereditary neoplastic syndrome; Neoplastic Syndromes, Hereditary; Tumor predisposition. Identifiers: Orphanet 140162, MedGen C0027672, MeSH D009386, MONDO:0015356.

gnomAD v4.1: 1 of 1,614,194 alleles (0.000062%); highest among the groups gnomAD compares: Middle Eastern, 0.017%; no homozygotes.

Submissions (2):

Ambry Genetics
Classification: Uncertain significance for Hereditary cancer-predisposing syndrome. Last evaluated: 2025-10-28. Review status: criteria provided, single submitter. Criteria: Ambry Variant Classification Scheme 2023. Collection method: clinical testing. Allele origin: germline.
Comment: The p.L1455P variant (also known as c.4364T>C), located in coding exon 34 of the POLE gene, results from a T to C substitution at nucleotide position 4364. The leucine at codon 1455 is replaced by proline, an amino acid with similar properties. This amino acid position is conserved. In addition, the in silico prediction for this alteration is inconclusive. Based on the available evidence, the clinical significance of this variant remains unclear.

Labcorp Genetics (formerly Invitae), Labcorp
Classification: Uncertain significance. Last evaluated: 2023-09-17. Review status: criteria provided, single submitter. Criteria: Invitae Variant Classification Sherloc (09022015). Collection method: clinical testing. Allele origin: germline.
Comment: In summary, the available evidence is currently insufficient to determine the role of this variant in disease. Therefore, it has been classified as a Variant of Uncertain Significance. This sequence change replaces leucine, which is neutral and non-polar, with proline, which is neutral and non-polar, at codon 1455 of the POLE protein (p.Leu1455Pro). This variant is not present in population databases (gnomAD no frequency). This variant has not been reported in the literature in individuals affected with POLE-related conditions. Advanced modeling of protein sequence and biophysical properties (such as structural, functional, and spatial information, amino acid conservation, physicochemical variation, residue mobility, and thermodynamic stability) performed at Invitae indicates that this missense variant is not expected to disrupt POLE protein function.

NM_006231.4(POLE):c.4364T>C (p.Leu1455Pro)

Gene: POLE (DNA polymerase epsilon, catalytic subunit; minus strand). Cytogenetic location: 12q24.33.
Variant type: single nucleotide variant.
Coding change: c.4364T>C on transcript NM_006231.4 (MANE Select); coding-DNA position 4364, T replaced by C.
Protein change: p.Leu1455Pro; replaces leucine 1455 with proline.
Molecular consequence: missense variant.
Genome position (GRCh38, 1-based): chr12:132,643,487, A>G on the plus strand (T>C on the coding strand, the complement: POLE is on the minus strand). VCF-style: chr12-132643487-A-G. GRCh37 (hg19) VCF-style: chr12-133220073-A-G.
Other names: c.4364T>C (NM_006231.2); short protein forms L1455P.
Identifiers: ClinVar variation 2997940 (VCV002997940.4), dbSNP rs745952351, ClinGen allele CA387381275.